The following is an entry in ClinVar:

NM_018060.4(IARS2):c.1325T>C (p.Val442Ala)

Gene: IARS2 (isoleucyl-tRNA synthetase 2, mitochondrial; plus strand). Cytogenetic location: 1q41.
Variant type: single nucleotide variant.
Coding change: c.1325T>C on transcript NM_018060.4 (MANE Select); coding-DNA position 1325, T replaced by C.
Protein change: p.Val442Ala; replaces valine 442 with alanine.
Molecular consequence: missense variant.
Genome position (GRCh38, 1-based): chr1:220,107,149, T>C. VCF-style: chr1-220107149-T-C. GRCh37 (hg19) VCF-style: chr1-220280491-T-C.
Other names: short protein forms V442A.
Identifiers: ClinVar variation 4761577 (VCV004761577.1).

ClinVar aggregate classification (germline): Uncertain significance (1 of 4 stars; one submission).

gnomAD v4.1: 3 of 1,602,470 alleles (0.00019%); highest among the groups gnomAD compares: South Asian, 0.0033%; no homozygotes.

Submission:

Labcorp Genetics (formerly Invitae), Labcorp
Classification: Uncertain significance. Last evaluated: 2025-12-18. Review status: criteria provided, single submitter. Criteria: Invitae Variant Classification Sherloc (09022015). Collection method: clinical testing. Allele origin: germline.
Comment: This sequence change replaces valine, which is neutral and non-polar, with alanine, which is neutral and non-polar, at codon 442 of the IARS2 protein (p.Val442Ala). This variant is not present in population databases (gnomAD no frequency). This variant has not been reported in the literature in individuals affected with IARS2-related conditions. An algorithm developed to predict the effect of missense changes on protein structure and function outputs the following: PolyPhen-2: "Benign". The alanine amino acid residue is found in multiple mammalian species, which suggests that this missense change does not adversely affect protein function. In summary, the available evidence is currently insufficient to determine the role of this variant in disease. Therefore, it has been classified as a Variant of Uncertain Significance.